The following is an entry in ClinVar:

NM_177972.3(TUB):c.606T>G (p.Asp202Glu)

Genes: RIC3 (RIC3 acetylcholine receptor chaperone; minus strand), TUB (TUB bipartite transcription factor; plus strand). Cytogenetic location: 11p15.4.
Variant type: single nucleotide variant.
Coding change: c.606T>G on transcript NM_177972.3 (MANE Select); coding-DNA position 606, T replaced by G.
Protein change: p.Asp202Glu; replaces aspartic acid 202 with glutamic acid.
Molecular consequence: missense variant.
Genome position (GRCh38, 1-based): chr11:8,096,725, T>G. VCF-style: chr11-8096725-T-G. GRCh37 (hg19) VCF-style: chr11-8118272-T-G.
Other names: c.771T>G, p.Asp257Glu (NM_003320.5); short protein forms D202E, D257E.
Identifiers: ClinVar variation 1441491 (VCV001441491.5), dbSNP rs903954556, ClinGen allele CA217421990.

ClinVar aggregate classification (germline): Uncertain significance (1 of 4 stars; one submission).

Allele frequency attached by ClinVar (database versions not stated): gnomAD exomes below 0.00001.
gnomAD v4.1: 4 of 1,613,868 alleles (0.00025%); highest among the groups gnomAD compares: African/African-American, 0.0013%; no homozygotes.

Submission:

Labcorp Genetics (formerly Invitae), Labcorp
Classification: Uncertain significance. Last evaluated: 2024-11-11. Review status: criteria provided, single submitter. Criteria: Invitae Variant Classification Sherloc (09022015). Collection method: clinical testing. Allele origin: germline.
Comment: This sequence change replaces aspartic acid, which is acidic and polar, with glutamic acid, which is acidic and polar, at codon 257 of the TUB protein (p.Asp257Glu). This variant is not present in population databases (gnomAD no frequency). This variant has not been reported in the literature in individuals affected with TUB-related conditions. ClinVar contains an entry for this variant (Variation ID: 1441491). An algorithm developed to predict the effect of missense changes on protein structure and function outputs the following: PolyPhen-2: "Benign". The glutamic acid amino acid residue is found in multiple mammalian species, which suggests that this missense change does not adversely affect protein function. In summary, the available evidence is currently insufficient to determine the role of this variant in disease. Therefore, it has been classified as a Variant of Uncertain Significance.